The following is an entry in ClinVar:

NM_006767.4(LZTR1):c.929A>G (p.Glu310Gly)

Gene: LZTR1 (leucine zipper like post translational regulator 1; plus strand). Cytogenetic location: 22q11.21.
Variant type: single nucleotide variant.
Coding change: c.929A>G on transcript NM_006767.4 (MANE Select); coding-DNA position 929, A replaced by G.
Protein change: p.Glu310Gly; replaces glutamic acid 310 with glycine.
Molecular consequence: missense variant.
Genome position (GRCh38, 1-based): chr22:20,991,765, A>G. VCF-style: chr22-20991765-A-G. GRCh37 (hg19) VCF-style: chr22-21346054-A-G.
Other names: c.929A>G (NM_006767.3); short protein forms E310G.
Identifiers: ClinVar variation 2834370 (VCV002834370.4), dbSNP rs2518617270, ClinGen allele CA410781449.

ClinVar aggregate classification (germline): Uncertain significance. Review status: criteria provided, multiple submitters, no conflicts (2 of 4 stars). 2 submissions from 2 submitters: Uncertain significance (2). Last evaluated 2025-02-25.

Conditions:
Hereditary cancer-predisposing syndrome. Also called: Neoplastic Syndromes, Hereditary; Tumor predisposition; Hereditary Cancer Syndrome; Hereditary neoplastic syndrome. Identifiers: Orphanet 140162, MedGen C0027672, MeSH D009386, MONDO:0015356.
Cardiovascular phenotype. Identifiers: MedGen CN230736.

Submissions (2):

Ambry Genetics
Classification: Uncertain significance for Cardiovascular phenotype; Hereditary cancer-predisposing syndrome. Last evaluated: 2025-02-25. Review status: criteria provided, single submitter. Criteria: Ambry Variant Classification Scheme 2023. Collection method: clinical testing. Allele origin: germline.
Comment: The p.E310G variant (also known as c.929A>G), located in coding exon 9 of the LZTR1 gene, results from an A to G substitution at nucleotide position 929. The glutamic acid at codon 310 is replaced by glycine, an amino acid with similar properties. This amino acid position is conserved. In addition, this alteration is predicted to be deleterious by in silico analysis. Based on the available evidence, the clinical significance of this variant remains unclear.

Labcorp Genetics (formerly Invitae), Labcorp
Classification: Uncertain significance. Last evaluated: 2023-02-04. Review status: criteria provided, single submitter. Criteria: Invitae Variant Classification Sherloc (09022015). Collection method: clinical testing. Allele origin: germline.
Comment: In summary, the available evidence is currently insufficient to determine the role of this variant in disease. Therefore, it has been classified as a Variant of Uncertain Significance. Advanced modeling of protein sequence and biophysical properties (such as structural, functional, and spatial information, amino acid conservation, physicochemical variation, residue mobility, and thermodynamic stability) performed at Invitae indicates that this missense variant is not expected to disrupt LZTR1 protein function. This variant has not been reported in the literature in individuals affected with LZTR1-related conditions. This variant is not present in population databases (gnomAD no frequency). This sequence change replaces glutamic acid, which is acidic and polar, with glycine, which is neutral and non-polar, at codon 310 of the LZTR1 protein (p.Glu310Gly).